The following is an entry in ClinVar:

NM_014727.3(KMT2B):c.1696C>T (p.Pro566Ser)

Gene: KMT2B (lysine methyltransferase 2B; plus strand). Cytogenetic location: 19q13.12.
Variant type: single nucleotide variant.
Coding change: c.1696C>T on transcript NM_014727.3 (MANE Select); coding-DNA position 1696, C replaced by T.
Protein change: p.Pro566Ser; replaces proline 566 with serine.
Molecular consequence: missense variant.
Genome position (GRCh38, 1-based): chr19:35,721,043, C>T. VCF-style: chr19-35721043-C-T. GRCh37 (hg19) VCF-style: chr19-36211945-C-T.
Other names: c.1696C>T (NM_014727.1); short protein forms P566S.
Identifiers: ClinVar variation 1941788 (VCV001941788.12), dbSNP rs1340536283, ClinGen allele CA405393146.

ClinVar aggregate classification (germline): Conflicting classifications of pathogenicity. Review status: criteria provided, conflicting classifications (1 of 4 stars). 3 submissions from 3 submitters: Uncertain significance (2); Likely benign (1). Last evaluated 2026-06-23.

Conditions:
Inborn genetic diseases. Identifiers: MedGen C0950123, MeSH D030342.

Allele frequency attached by ClinVar (database versions not stated): gnomAD exomes below 0.00001.

Submissions (3):

Ambry Genetics
Classification: Uncertain significance for Inborn genetic diseases. Last evaluated: 2026-06-23. Review status: criteria provided, single submitter. Criteria: Ambry Variant Classification Scheme 2023. Collection method: clinical testing. Allele origin: germline.
Comment: The c.1696C>T (p.P566S) alteration is located in exon 3 (coding exon 3) of the KMT2B gene. This alteration results from a C to T substitution at nucleotide position 1696, causing the proline (P) at amino acid position 566 to be replaced by a serine (S). Based on data from gnomAD, the T allele has an overall frequency of <0.001% (1/240548) total alleles studied. The highest observed frequency was 0.003% (1/29346) of South Asian alleles. Based on insufficient or conflicting evidence, the clinical significance of this alteration remains unclear.

Labcorp Genetics (formerly Invitae), Labcorp
Classification: Likely benign. Last evaluated: 2025-12-03. Review status: criteria provided, single submitter. Criteria: Invitae Variant Classification Sherloc (09022015). Collection method: clinical testing. Allele origin: germline.

CeGaT Center for Human Genetics Tuebingen
Classification: Uncertain significance. Last evaluated: 2025-12-01. Review status: criteria provided, single submitter. Criteria: CeGaT Center For Human Genetics Tuebingen Variant Classification Criteria Version 2. Collection method: clinical testing. Allele origin: germline. Affected: yes. Observed: 1 variant allele.
Comment: KMT2B: PM2:Supporting, BP4